The following is an entry in ClinVar:

NM_001244008.2(KIF1A):c.2444+4G>A

Gene: KIF1A (kinesin family member 1A; minus strand). Cytogenetic location: 2q37.3.
Variant type: single nucleotide variant.
Coding change: c.2444+4G>A on transcript NM_001244008.2 (MANE Select); 4 bases into the intron after coding-DNA position 2444, G replaced by A.
Molecular consequence: intron variant.
Genome position (GRCh38, 1-based): chr2:240,760,661, C>T on the plus strand (G>A on the coding strand, the complement: KIF1A is on the minus strand). VCF-style: chr2-240760661-C-T. GRCh37 (hg19) VCF-style: chr2-241700078-C-T.
Other names: c.2417+4G>A (NM_001379653.1, NM_001379650.1, NM_001379645.1 and 10 more transcripts); c.2519+4G>A (NM_001379635.1, NM_001330290.2, NM_001379646.1 and 2 more transcripts); c.2492+4G>A (NM_001379637.1, NM_001379648.1); c.2444+4G>A (NM_001320705.2, NM_001379638.1, NM_001330289.2).
Identifiers: ClinVar variation 4794170 (VCV004794170.2).
Genomic context (GRCh38, chr2:240,760,661, plus strand): 5'-CTGTGGCTTCAGCCCTGCCCAGGAGGACCCTCCCACCATCCACCCAGCGGCCCTCCAGCC[C>T]CACCTGAGCTTCTCCAGCGTCCAGTAGTGGGTGGCCCCGTTCTTCTGGTCCTGGACCTCC-3'

ClinVar aggregate classification (germline): Conflicting classifications of pathogenicity. Review status: criteria provided, conflicting classifications (1 of 4 stars). 2 submissions from 2 submitters: Uncertain significance (1); Likely benign (1). Last evaluated 2025-10-16.

Conditions:
Neuropathy, hereditary sensory, type 2C. Also called: Hereditary sensory and autonomic neuropathy type IIC; KIF1A-Related HSAN2 (HSAN2C). Identifiers: Orphanet 970, MedGen C3280168, MONDO:0013634, OMIM 614213.
Intellectual disability, autosomal dominant 9 (NESCAVS). Also called: NESCAV SYNDROME; KIF1A-Related Neurodevelopmental Disorder. Identifiers: Orphanet 662367, MedGen C5393830, MONDO:0013656, OMIM 614255.
Hereditary spastic paraplegia 30. Identifiers: Orphanet 101010, MedGen C5235139, MONDO:0012476.

gnomAD v4.1: 2 of 1,491,488 alleles (0.00013%); highest among the groups gnomAD compares: Non-Finnish European, 0.00018%; no homozygotes.

Submissions (2):

Labcorp Genetics (formerly Invitae), Labcorp
Classification: Uncertain significance for Hereditary spastic paraplegia 30; Neuropathy, hereditary sensory, type 2C; Intellectual disability, autosomal dominant 9. Last evaluated: 2025-10-16. Review status: criteria provided, single submitter. Criteria: Invitae Variant Classification Sherloc (09022015). Collection method: clinical testing. Allele origin: germline.
Comment: This sequence change falls in intron 23 of the KIF1A gene. It does not directly change the encoded amino acid sequence of the KIF1A protein. It affects a nucleotide within the consensus splice site. This variant is not present in population databases (gnomAD no frequency). This variant has not been reported in the literature in individuals affected with KIF1A-related conditions. Variants that disrupt the consensus splice site are a relatively common cause of aberrant splicing (PMID: 17576681, 9536098). Algorithms developed to predict the effect of sequence changes on RNA splicing suggest that this variant is not likely to affect RNA splicing. In summary, the available evidence is currently insufficient to determine the role of this variant in disease. Therefore, it has been classified as a Variant of Uncertain Significance.

Blueprint Genetics
Classification: Likely benign. Last evaluated: 2020-10-18. Review status: criteria provided, single submitter. Criteria: ACMG Guidelines, 2015. Collection method: clinical testing. Allele origin: germline.

Literature cited by the submitters: PubMed 17576681 (cited by Labcorp Genetics (formerly Invitae), Labcorp); PubMed 9536098 (cited by Labcorp Genetics (formerly Invitae), Labcorp).